The following is an entry in ClinVar:

ClinVar aggregate classification (germline): Likely benign. Review status: criteria provided, multiple submitters, no conflicts (2 of 4 stars). 5 submissions from 5 submitters: Likely benign (5). Last evaluated 2026-09-16.

Conditions:
Brugada syndrome 4 (BRGDA4). Identifiers: Orphanet 130, MedGen C2678477, MONDO:0012743, OMIM 611876.
Cardiovascular phenotype. Identifiers: MedGen CN230736.
CACNB2-related disorder. Also called: CACNB2-related condition.

Allele frequency attached by ClinVar (database versions not stated): 1000 Genomes Project 30x 0.00016; TOPMed 0.00019; 1000 Genomes Project 0.00020; gnomAD exomes 0.00001 and 0.00003; ExAC 0.00002; gnomAD 0.00013.
gnomAD v4.1: 42 of 1,614,072 alleles (0.0026%); highest among the groups gnomAD compares: African/African-American, 0.045%; no homozygotes.

Submissions (5):

PreventionGenetics, part of Exact Sciences
Classification: Likely benign for CACNB2-related condition. Last evaluated: 2026-09-16. Review status: criteria provided, single submitter. Criteria: ACMG Guidelines, 2015. Collection method: clinical testing. Allele origin: germline.
Comment: This variant is classified as likely benign based on ACMG/AMP sequence variant interpretation guidelines (Richards et al. 2015 PMID: 25741868, with internal and published modifications).

Labcorp Genetics (formerly Invitae), Labcorp
Classification: Likely benign for Brugada syndrome 4. Last evaluated: 2026-01-02. Review status: criteria provided, single submitter. Criteria: Invitae Variant Classification Sherloc (09022015). Collection method: clinical testing. Allele origin: germline.

Blueprint Genetics
Classification: Likely benign. Last evaluated: 2024-05-13. Review status: criteria provided, single submitter. Criteria: ACMG Guidelines, 2015. Collection method: clinical testing. Allele origin: germline.

Women's Health and Genetics/Laboratory Corporation of America, LabCorp
Classification: Likely benign. Last evaluated: 2021-05-16. Review status: criteria provided, single submitter. Criteria: LabCorp Variant Classification Summary - May 2015. Collection method: clinical testing. Allele origin: germline.

Ambry Genetics
Classification: Likely benign for Cardiovascular phenotype. Last evaluated: 2019-05-03. Review status: criteria provided, single submitter. Criteria: Ambry Variant Classification Scheme 2023. Collection method: clinical testing. Allele origin: germline.

NM_201596.3(CACNB2):c.306G>A (p.Gln102=)

Gene: CACNB2 (calcium voltage-gated channel auxiliary subunit beta 2; plus strand). Cytogenetic location: 10p12.31.
Variant type: single nucleotide variant.
Coding change: c.306G>A on transcript NM_201596.3 (MANE Select); coding-DNA position 306, G replaced by A.
Protein change: p.Gln102=; no amino-acid change (glutamine 102 retained).
Molecular consequence: synonymous variant.
Genome position (GRCh38, 1-based): chr10:18,402,016, G>A. VCF-style: chr10-18402016-G-A. GRCh37 (hg19) VCF-style: chr10-18690945-G-A.
Other names: c.141G>A, p.Gln47= (NM_000724.4, NM_001330060.2); c.222G>A, p.Gln74= (NM_001167945.2, NM_201571.4, NM_201572.4); c.162G>A, p.Gln54= (NM_201570.3); c.144G>A, p.Gln48= (NM_201590.3); c.306G>A, p.Gln102= (NM_201593.3, NM_201597.3).
Identifiers: ClinVar variation 1097286 (VCV001097286.15), dbSNP rs571930944, ClinGen allele CA5429555.